The following is an entry in ClinVar:

NM_001114753.3(ENG):c.1853-14GCTCCC[3]

Gene: ENG (endoglin; minus strand). Cytogenetic location: 9q34.11.
Variant type: Microsatellite.
Coding change: c.1853-14GCTCCC[3] on transcript NM_001114753.3 (MANE Select); three copies in a row of the 6-base unit GCTCCC starting at c.1853-14; the reference has two copies in a row; one copy, 6 bases duplicated.
Molecular consequence: intron variant.
Genome position (GRCh38, 1-based): chr9:127,815,809-127,815,814, GGGAGC duplicated on the plus strand (GCTCCC on the coding strand, the reverse complement: ENG is on the minus strand); duplicating any 6 consecutive bases within chr9:127,815,809-127,815,823 gives the same sequence; the position shown is the placement nearest the transcript's 3' end. VCF-style (leftmost placement, unchanged base first): chr9-127815808-T-TGGGAGC. GRCh37 (hg19) VCF-style: chr9-130578087-T-TGGGAGC.
Other names: c.1853-8_1853-3dup6 (NM_001114753.2); c.*94_*99CCCGCT[3] (NM_000118.4); c.1307-14GCTCCC[3] (NM_001278138.2).
Identifiers: ClinVar variation 810422 (VCV000810422.50), dbSNP rs373296026, ClinGen allele CA5252593.

ClinVar aggregate classification (germline): Likely benign. Review status: criteria provided, multiple submitters, no conflicts (2 of 4 stars). 5 submissions from 5 submitters: Likely benign (5). Last evaluated 2026-03-04.

Conditions:
Telangiectasia, hereditary hemorrhagic, type 1 (HHT1). Also called: Osler Weber Rendu syndrome type 1; ENG-Related Hereditary Hemorrhagic Telangiectasia. Identifiers: Orphanet 774, MedGen C4551861, MONDO:0008535, OMIM 187300. Disease mechanism: loss of function.
ENG-related disorder. Also called: ENG-related disorders; ENG-related condition.

Submissions (5):

PreventionGenetics, part of Exact Sciences
Classification: Likely benign for ENG-related condition. Last evaluated: 2026-03-04. Review status: criteria provided, single submitter. Criteria: ACMG Guidelines, 2015. Collection method: clinical testing. Allele origin: germline.
Comment: This variant is classified as likely benign based on ACMG/AMP sequence variant interpretation guidelines (Richards et al. 2015 PMID: 25741868, with internal and published modifications).

GeneDx
Classification: Likely benign. Last evaluated: 2023-01-18. Review status: criteria provided, single submitter. Criteria: GeneDx Variant Classification Process June 2021. Collection method: clinical testing. Allele origin: germline. Affected: yes.
Comment: See Variant Classification Assertion Criteria.

ARUP Laboratories, Molecular Genetics and Genomics, ARUP Laboratories
Classification: Likely benign for Telangiectasia, hereditary hemorrhagic, type 1. Last evaluated: 2022-10-19. Review status: criteria provided, single submitter. Criteria: ARUP Molecular Germline Variant Investigation Process 2021. Collection method: clinical testing. Allele origin: germline.

CeGaT Center for Human Genetics Tuebingen
Classification: Likely benign. Last evaluated: 2022-01-01. Review status: criteria provided, single submitter. Criteria: CeGaT Center For Human Genetics Tuebingen Variant Classification Criteria Version 2. Collection method: clinical testing. Allele origin: germline. Affected: yes. Observed: 2 variant alleles.

Fulgent Genetics
Classification: Likely benign for Telangiectasia, hereditary hemorrhagic, type 1. Last evaluated: 2021-09-04. Review status: criteria provided, single submitter. Criteria: ACMG Guidelines, 2015. Collection method: clinical testing. Allele origin: unknown.